The following is an entry in ClinVar:

ClinVar aggregate classification (germline): Uncertain significance. Review status: criteria provided, multiple submitters, no conflicts (2 of 4 stars). 2 submissions from 2 submitters: Uncertain significance (2). Last evaluated 2024-09-29.

Conditions:
Developmental and epileptic encephalopathy, 42 (DEE42A). Also called: DEVELOPMENTAL AND EPILEPTIC ENCEPHALOPATHY 42A; EPILEPTIC ENCEPHALOPATHY, EARLY INFANTILE, 42A; Epileptic encephalopathy, early infantile, 42. Identifiers: MedGen C4310716, MONDO:0014917, OMIM 617106.
Episodic ataxia type 2 (EA2). Also called: ACETAZOLAMIDE-RESPONSIVE HEREDITARY PAROXYSMAL CEREBELLAR ATAXIA; ATAXIA, EPISODIC, WITH NYSTAGMUS; ATAXIA, FAMILIAL PAROXYSMAL; CEREBELLAR ATAXIA, PAROXYSMAL, ACETAZOLAMIDE-RESPONSIVE; CEREBELLOPATHY, HEREDITARY PAROXYSMAL; EPISODIC ATAXIA, NYSTAGMUS-ASSOCIATED. Identifiers: Orphanet 97, MedGen C1720416, MONDO:0007163, OMIM 108500.
Inborn genetic diseases. Identifiers: MedGen C0950123, MeSH D030342.

Allele frequency attached by ClinVar (database versions not stated): ExAC 0.00002; ESP Exome Variant Server 0.00008; gnomAD 0.00001; TOPMed 0.00001.
gnomAD v4.1: 18 of 1,612,650 alleles (0.0011%); highest among the groups gnomAD compares: East Asian, 0.0022%; no homozygotes.

Submissions (2):

Labcorp Genetics (formerly Invitae), Labcorp
Classification: Uncertain significance for Developmental and epileptic encephalopathy, 42; Episodic ataxia type 2. Last evaluated: 2024-09-29. Review status: criteria provided, single submitter. Criteria: Invitae Variant Classification Sherloc (09022015). Collection method: clinical testing. Allele origin: germline.
Comment: This sequence change replaces alanine, which is neutral and non-polar, with threonine, which is neutral and polar, at codon 1089 of the CACNA1A protein (p.Ala1089Thr). The frequency data for this variant in the population databases is considered unreliable, as metrics indicate poor data quality at this position in the gnomAD database. This variant has not been reported in the literature in individuals affected with CACNA1A-related conditions. ClinVar contains an entry for this variant (Variation ID: 476251). Invitae Evidence Modeling of protein sequence and biophysical properties (such as structural, functional, and spatial information, amino acid conservation, physicochemical variation, residue mobility, and thermodynamic stability) indicates that this missense variant is not expected to disrupt CACNA1A protein function with a negative predictive value of 95%. In summary, the available evidence is currently insufficient to determine the role of this variant in disease. Therefore, it has been classified as a Variant of Uncertain Significance.

Ambry Genetics
Classification: Uncertain significance for Inborn genetic diseases. Last evaluated: 2018-05-15. Review status: criteria provided, single submitter. Criteria: Ambry Variant Classification Scheme 2023. Collection method: clinical testing. Allele origin: germline.
Comment: The p.A1089T variant (also known as c.3265G>A), located in coding exon 20 of the CACNA1A gene, results from a G to A substitution at nucleotide position 3265. The alanine at codon 1089 is replaced by threonine, an amino acid with similar properties. This amino acid position is poorly conserved in available vertebrate species. In addition, this alteration is predicted to be tolerated by in silico analysis. Since supporting evidence is limited at this time, the clinical significance of this alteration remains unclear.

NM_001127222.2(CACNA1A):c.3262G>A (p.Ala1088Thr)

Gene: CACNA1A (calcium voltage-gated channel subunit alpha1 A; minus strand). Cytogenetic location: 19p13.13.
Variant type: single nucleotide variant.
Coding change: c.3262G>A on transcript NM_001127222.2 (MANE Select); coding-DNA position 3262, G replaced by A.
Protein change: p.Ala1088Thr; replaces alanine 1088 with threonine.
Molecular consequence: missense variant.
Genome position (GRCh38, 1-based): chr19:13,286,794, C>T on the plus strand (G>A on the coding strand, the complement: CACNA1A is on the minus strand). VCF-style: chr19-13286794-C-T. GRCh37 (hg19) VCF-style: chr19-13397608-C-T.
Other names: c.3274G>A, p.Ala1092Thr (NM_000068.4, NM_023035.3); c.3265G>A, p.Ala1089Thr (NM_001127221.2, NM_001174080.2); short protein forms A1089T, A1092T, A1088T.
Identifiers: ClinVar variation 476251 (VCV000476251.11), dbSNP rs371820430, ClinGen allele CA9240373.